The following is an entry in ClinVar:

NM_000135.4(FANCA):c.2967G>A (p.Met989Ile)

Gene: FANCA (FA complementation group A; minus strand). Cytogenetic location: 16q24.3.
Variant type: single nucleotide variant.
Coding change: c.2967G>A on transcript NM_000135.4 (MANE Select); coding-DNA position 2967, G replaced by A.
Protein change: p.Met989Ile; replaces methionine 989 with isoleucine.
Molecular consequence: missense variant.
Genome position (GRCh38, 1-based): chr16:89,758,591, C>T on the plus strand (G>A on the coding strand, the complement: FANCA is on the minus strand). VCF-style: chr16-89758591-C-T. GRCh37 (hg19) VCF-style: chr16-89824999-C-T.
Other names: c.2967G>A, p.Met989Ile (NM_001286167.3); short protein forms M989I.
Identifiers: ClinVar variation 1336642 (VCV001336642.11), dbSNP rs1178389035, ClinGen allele CA397430951.

ClinVar aggregate classification (germline): Uncertain significance. Review status: criteria provided, multiple submitters, no conflicts (2 of 4 stars). 4 submissions from 4 submitters: Uncertain significance (4). Last evaluated 2026-10-01.

Conditions:
Inborn genetic diseases. Identifiers: MedGen C0950123, MeSH D030342.
Fanconi anemia complementation group A (FANCA). Also called: FANCA-Related Fanconi Anemia; Fanconi anemia, group A. Identifiers: Orphanet 84, MedGen C3469521, MONDO:0009215, OMIM 227650.
Fanconi anemia (FA). Also called: Fanconi's anemia. Identifiers: Orphanet 84, MedGen C0015625, MeSH D005199, MONDO:0019391.

Allele frequency attached by ClinVar (database versions not stated): gnomAD exomes below 0.00001; gnomAD 0.00001 and 0.00002; TOPMed 0.00005.
gnomAD v4.1: 5 of 1,613,642 alleles (0.00031%); highest among the groups gnomAD compares: African/African-American, 0.0013%; no homozygotes.

Submissions (4):

St. Jude Molecular Pathology, St. Jude Children's Research Hospital
Classification: Uncertain significance for Fanconi anemia complementation group A. Last evaluated: 2026-10-01. Review status: criteria provided, single submitter. Criteria: St. Jude Assertion Criteria 2020. Collection method: clinical testing. Allele origin: germline.
Comment: The FANCA c.2967G>A p.(Met989Ile) missense change is absent in gnomAD v2.1.1. The in silico tool REVEL predicts a benign effect on protein function, but to our knowledge this prediction has not been confirmed by functional studies. To our knowledge, this variant has not been reported in individuals with Fanconi anemia. In summary, the evidence curr ently available is insufficient to determine the clinical significance of this variant. It has therefore been classified as of uncertain significance.

Labcorp Genetics (formerly Invitae), Labcorp
Classification: Uncertain significance for Fanconi anemia. Last evaluated: 2025-04-28. Review status: criteria provided, single submitter. Criteria: Invitae Variant Classification Sherloc (09022015). Collection method: clinical testing. Allele origin: germline.
Comment: This sequence change replaces methionine, which is neutral and non-polar, with isoleucine, which is neutral and non-polar, at codon 989 of the FANCA protein (p.Met989Ile). This variant is not present in population databases (gnomAD no frequency). This variant has not been reported in the literature in individuals affected with FANCA-related conditions. ClinVar contains an entry for this variant (Variation ID: 1336642). Invitae Evidence Modeling of protein sequence and biophysical properties (such as structural, functional, and spatial information, amino acid conservation, physicochemical variation, residue mobility, and thermodynamic stability) indicates that this missense variant is not expected to disrupt FANCA protein function with a negative predictive value of 95%. In summary, the available evidence is currently insufficient to determine the role of this variant in disease. Therefore, it has been classified as a Variant of Uncertain Significance.

Ambry Genetics
Classification: Uncertain significance for Inborn genetic diseases. Last evaluated: 2024-11-23. Review status: criteria provided, single submitter. Criteria: Ambry Variant Classification Scheme 2023. Collection method: clinical testing. Allele origin: germline.
Comment: The p.M989I variant (also known as c.2967G>A), located in coding exon 30 of the FANCA gene, results from a G to A substitution at nucleotide position 2967. The methionine at codon 989 is replaced by isoleucine, an amino acid with highly similar properties. This amino acid position is conserved. In addition, this alteration is predicted to be tolerated by in silico analysis. Based on the available evidence, the clinical significance of this variant remains unclear.

Genetic Services Laboratory, University of Chicago
Classification: Uncertain significance. Last evaluated: 2018-03-22. Review status: criteria provided, single submitter. Criteria: ACMG Guidelines, 2015. Collection method: clinical testing. Allele origin: germline. Affected: no.